The following is an entry in ClinVar:

ClinVar aggregate classification (germline): Likely pathogenic (1 of 4 stars; one submission).

Conditions:
LAMA2-related muscular dystrophy (LAMA2-RD). Also called: Laminin alpha 2-related dystrophy. Identifiers: MedGen C5679788, MONDO:0100228.

Submission:

Myriad Genetics, Inc.
Classification: Likely pathogenic for LAMA2-related muscular dystrophy. Last evaluated: 2019-11-21. Review status: criteria provided, single submitter. Criteria: Myriad Autosomal Dominant, Autosomal Recessive and X-Linked Classification Criteria (2023). Collection method: clinical testing. Allele origin: unknown.
Comment: NM_000426.3(LAMA2):c.691G>T(E231*) is expected to be pathogenic in the context of LAMA2-related muscular dystrophy. This variant is predicted to lead to an abnormal or absent protein product due to the creation of a premature termination codon in LAMA2, a gene where loss-of-function variants are known to be pathogenic. Please note: this variant was assessed in the context of healthy population screening.

NM_000426.4(LAMA2):c.691G>T (p.Glu231Ter)

Gene: LAMA2 (laminin subunit alpha 2; plus strand). Cytogenetic location: 6q22.33.
Variant type: single nucleotide variant.
Coding change: c.691G>T on transcript NM_000426.4 (MANE Select); coding-DNA position 691, G replaced by T.
Protein change: p.Glu231Ter; replaces glutamic acid 231 with a stop codon.
Molecular consequence: nonsense.
Genome position (GRCh38, 1-based): chr6:129,143,952, G>T. VCF-style: chr6-129143952-G-T. GRCh37 (hg19) VCF-style: chr6-129465097-G-T.
Other names: c.691G>T, p.Glu231Ter (NM_001079823.2); short protein forms E231*.
Identifiers: ClinVar variation 983905 (VCV000983905.4), dbSNP rs1778273068, ClinGen allele CA365605978.